The following is an entry in ClinVar:

NM_000160.5(GCGR):c.1238G>A (p.Arg413Gln)

Gene: GCGR (glucagon receptor; plus strand). Cytogenetic location: 17q25.3.
Variant type: single nucleotide variant.
Coding change: c.1238G>A on transcript NM_000160.5 (MANE Select); coding-DNA position 1238, G replaced by A.
Protein change: p.Arg413Gln; replaces arginine 413 with glutamine.
Molecular consequence: missense variant.
Genome position (GRCh38, 1-based): chr17:81,813,493, G>A. VCF-style: chr17-81813493-G-A. GRCh37 (hg19) VCF-style: chr17-79771369-G-A.
Other names: short protein forms R413Q.
Identifiers: ClinVar variation 4262519 (VCV004262519.2).

ClinVar aggregate classification (germline): Uncertain significance. Review status: criteria provided, multiple submitters, no conflicts (2 of 4 stars). 2 submissions from 2 submitters: Uncertain significance (2). Last evaluated 2025-08-04.

gnomAD v4.1: 12 of 1,535,208 alleles (0.00078%); highest among the groups gnomAD compares: South Asian, 0.0036%; no homozygotes.

Submissions (2):

Ambry Genetics
Classification: Uncertain significance. Last evaluated: 2025-08-04. Review status: criteria provided, single submitter. Criteria: Ambry Variant Classification Scheme 2023. Collection method: clinical testing. Allele origin: germline.

Labcorp Genetics (formerly Invitae), Labcorp
Classification: Uncertain significance. Last evaluated: 2025-07-15. Review status: criteria provided, single submitter. Criteria: Invitae Variant Classification Sherloc (09022015). Collection method: clinical testing. Allele origin: germline.
Comment: This sequence change replaces arginine, which is basic and polar, with glutamine, which is neutral and polar, at codon 413 of the GCGR protein (p.Arg413Gln). The frequency data for this variant in the population databases is considered unreliable, as metrics indicate poor data quality at this position in the gnomAD database. This variant has not been reported in the literature in individuals affected with GCGR-related conditions. An algorithm developed to predict the effect of missense changes on protein structure and function outputs the following: PolyPhen-2: "Benign". The glutamine amino acid residue is found in multiple mammalian species, which suggests that this missense change does not adversely affect protein function. In summary, the available evidence is currently insufficient to determine the role of this variant in disease. Therefore, it has been classified as a Variant of Uncertain Significance.